The following is an entry in ClinVar:

NM_001025356.3(ANO6):c.136C>T (p.Arg46Ter)

Gene: ANO6 (anoctamin 6; plus strand). Cytogenetic location: 12q12.
Variant type: single nucleotide variant.
Coding change: c.136C>T on transcript NM_001025356.3 (MANE Select); coding-DNA position 136, C replaced by T.
Protein change: p.Arg46Ter; replaces arginine 46 with a stop codon.
Molecular consequence: nonsense.
Genome position (GRCh38, 1-based): chr12:45,302,079, C>T. VCF-style: chr12-45302079-C-T. GRCh37 (hg19) VCF-style: chr12-45695862-C-T.
Other names: c.82C>T, p.Arg28Ter (NM_001142678.2); c.136C>T, p.Arg46Ter (NM_001142679.2); c.199C>T, p.Arg67Ter (NM_001204803.2); c.103C>T, p.Arg35Ter (NM_001410973.1); short protein forms R28*, R35*, R46*, R67*.
Identifiers: ClinVar variation 3713303 (VCV003713303.2).

ClinVar aggregate classification (germline): Pathogenic (1 of 4 stars; one submission).

gnomAD v4.1: 9 of 1,613,766 alleles (0.00056%); highest among the groups gnomAD compares: South Asian, 0.0022%; 1 homozygote.

Submission:

Labcorp Genetics (formerly Invitae), Labcorp
Classification: Pathogenic. Last evaluated: 2024-04-02. Review status: criteria provided, single submitter. Criteria: Invitae Variant Classification Sherloc (09022015). Collection method: clinical testing. Allele origin: germline.
Comment: This sequence change creates a premature translational stop signal (p.Arg46*) in the ANO6 gene. It is expected to result in an absent or disrupted protein product. Loss-of-function variants in ANO6 are known to be pathogenic (PMID: 21107324, 21511967, 27879994). This variant is present in population databases (rs777838621, gnomAD 0.006%). This variant has not been reported in the literature in individuals affected with ANO6-related conditions. For these reasons, this variant has been classified as Pathogenic.

Literature cited by the submitters: PubMed 21107324; PubMed 21511967; PubMed 27879994.